The following is an entry in ClinVar:

ClinVar aggregate classification (germline): Uncertain significance. Review status: criteria provided, multiple submitters, no conflicts (2 of 4 stars). 4 submissions from 4 submitters: Uncertain significance (4). Last evaluated 2025-02-14.

Conditions:
Inborn genetic diseases. Identifiers: MedGen C0950123, MeSH D030342.
Long chain 3-hydroxyacyl-CoA dehydrogenase deficiency. Also called: LCHAD Deficiency; Deficiency of long-chain 3-hydroxyacyl-coenzyme A dehydrogenase. Identifiers: Orphanet 5, MedGen C3711645, MONDO:0012173, OMIM 609016.
Mitochondrial trifunctional protein deficiency. Identifiers: Orphanet 746, MedGen C1969443, MONDO:0012172.

Allele frequency attached by ClinVar (database versions not stated): gnomAD exomes 0.00001 and 0.00008; gnomAD 0.00002; TOPMed 0.00002; ExAC 0.00003.
gnomAD v4.1: 22 of 1,608,068 alleles (0.0014%); highest among the groups gnomAD compares: Admixed American, 0.037%; no homozygotes.

Submissions (4):

Ambry Genetics
Classification: Uncertain significance for Inborn genetic diseases. Last evaluated: 2025-02-14. Review status: criteria provided, single submitter. Criteria: Ambry Variant Classification Scheme 2023. Collection method: clinical testing. Allele origin: germline.

Revvity Omics, Revvity
Classification: Uncertain significance. Last evaluated: 2023-10-24. Review status: criteria provided, single submitter. Criteria: ACMG Guidelines, 2015. Collection method: clinical testing. Allele origin: germline.

Labcorp Genetics (formerly Invitae), Labcorp
Classification: Uncertain significance for Mitochondrial trifunctional protein deficiency; Long chain 3-hydroxyacyl-CoA dehydrogenase deficiency. Last evaluated: 2022-10-13. Review status: criteria provided, single submitter. Criteria: Invitae Variant Classification Sherloc (09022015). Collection method: clinical testing. Allele origin: germline.
Comment: This sequence change replaces glycine, which is neutral and non-polar, with valine, which is neutral and non-polar, at codon 642 of the HADHA protein (p.Gly642Val). This variant is present in population databases (rs766188621, gnomAD 0.06%). This variant has not been reported in the literature in individuals affected with HADHA-related conditions. ClinVar contains an entry for this variant (Variation ID: 1368249). Advanced modeling of protein sequence and biophysical properties (such as structural, functional, and spatial information, amino acid conservation, physicochemical variation, residue mobility, and thermodynamic stability) performed at Invitae indicates that this missense variant is not expected to disrupt HADHA protein function. In summary, the available evidence is currently insufficient to determine the role of this variant in disease. Therefore, it has been classified as a Variant of Uncertain Significance.

Blueprint Genetics
Classification: Uncertain significance. Last evaluated: 2019-01-18. Review status: criteria provided, single submitter. Criteria: ACMG Guidelines, 2015. Collection method: clinical testing. Allele origin: germline.

NM_000182.5(HADHA):c.1925G>T (p.Gly642Val)

Genes: GAREM2 (GRB2 associated regulator of MAPK1 subtype 2; plus strand), HADHA (hydroxyacyl-CoA dehydrogenase trifunctional multienzyme complex subunit alpha; minus strand). Cytogenetic location: 2p23.3.
Variant type: single nucleotide variant.
Coding change: c.1925G>T on transcript NM_000182.5 (MANE Select); coding-DNA position 1925, G replaced by T.
Protein change: p.Gly642Val; replaces glycine 642 with valine.
Molecular consequence: missense variant.
Genome position (GRCh38, 1-based): chr2:26,192,385, C>A on the plus strand (G>T on the coding strand, the complement: HADHA is on the minus strand). VCF-style: chr2-26192385-C-A. GRCh37 (hg19) VCF-style: chr2-26415254-C-A.
Other names: c.1925G>T (NM_000182.4); short protein forms G642V.
Identifiers: ClinVar variation 1368249 (VCV001368249.8), dbSNP rs766188621, ClinGen allele CA1559415.